The following is an entry in ClinVar:

NM_006796.3(AFG3L2):c.2167G>T (p.Val723Leu)

Gene: AFG3L2 (AFG3 like matrix AAA peptidase subunit 2; minus strand). Cytogenetic location: 18p11.21.
Variant type: single nucleotide variant.
Coding change: c.2167G>T on transcript NM_006796.3 (MANE Select); coding-DNA position 2167, G replaced by T.
Protein change: p.Val723Leu; replaces valine 723 with leucine.
Molecular consequence: missense variant.
Genome position (GRCh38, 1-based): chr18:12,337,349, C>A on the plus strand (G>T on the coding strand, the complement: AFG3L2 is on the minus strand). VCF-style: chr18-12337349-C-A. GRCh37 (hg19) VCF-style: chr18-12337348-C-A.
Other names: short protein forms V723L.
Identifiers: ClinVar variation 1328909 (VCV001328909.2), dbSNP rs139469785, ClinGen allele CA401943560.
Genomic context (GRCh38, chr18:12,337,349, plus strand): 5'-CAATCTTTTTTTTGCAAAACTGTAAAGAATTATTCCCACAACTGGCACCTACCTTCTCCA[C>A]GTCAGCTTTCTTTTCTGTGAGAAGAGCTACTGTTCTTTTATAAGCATCATTAATAAGTAT-3'
Protein context (NP_006787.2, residues 713-733): VALLTEKKAD[Val723Leu]EKVALLLLEK

ClinVar aggregate classification (germline): Uncertain significance (1 of 4 stars; one submission).

Submission:

GeneDx
Classification: Uncertain significance. Last evaluated: 2021-06-17. Review status: criteria provided, single submitter. Criteria: GeneDx Variant Classification Process June 2021. Collection method: clinical testing. Allele origin: germline. Affected: yes.
Comment: Not observed at significant frequency in large population cohorts (Lek et al., 2016); In silico analysis supports that this missense variant has a deleterious effect on protein structure/function; Has not been previously published as pathogenic or benign to our knowledge; This variant is associated with the following publications: (PMID: 27535533)